The following is an entry in ClinVar:

ClinVar aggregate classification (germline): Uncertain significance (1 of 4 stars; one submission).

Conditions:
Costello syndrome (CSTLO). Also called: FCS SYNDROME; FACIOCUTANEOSKELETAL SYNDROME; HRAS-Related Costello Syndrome. Identifiers: Orphanet 3071, MedGen C0587248, MONDO:0009026, OMIM 218040.

Submission:

Labcorp Genetics (formerly Invitae), Labcorp
Classification: Uncertain significance for Costello syndrome. Last evaluated: 2021-10-31. Review status: criteria provided, single submitter. Criteria: Invitae Variant Classification Sherloc (09022015). Collection method: clinical testing. Allele origin: germline.
Comment: In summary, the available evidence is currently insufficient to determine the role of this variant in disease. Therefore, it has been classified as a Variant of Uncertain Significance. This variant has not been reported in the literature in individuals affected with HRAS-related conditions. This variant is not present in population databases (gnomAD no frequency). This sequence change creates a premature translational stop signal (p.Arg149Glyfs*23) in the HRAS gene. It is expected to result in an absent or disrupted protein product. However, the current clinical and genetic evidence is not sufficient to establish whether loss-of-function variants in HRAS cause disease.

NM_005343.4(HRAS):c.445del (p.Arg149fs)

Genes: HRAS (HRas proto-oncogene, GTPase; minus strand), LRRC56 (leucine rich repeat containing 56; plus strand). Cytogenetic location: 11p15.5.
Variant type: Deletion.
Coding change: c.445del on transcript NM_005343.4 (MANE Select); coding-DNA position 445, one base deleted (C; older notation c.445delC).
Protein change: p.Arg149fs; shifts the reading frame from arginine 149.
Molecular consequence: frameshift variant.
Genome position (GRCh38, 1-based): chr11:533,458, G deleted on the plus strand (C on the coding strand, the reverse complement: HRAS is on the minus strand); the first of 3 consecutive G bases (chr11:533,458-533,460); deleting any one gives the same sequence. VCF-style (leftmost placement, unchanged base first): chr11-533457-CG-C. GRCh37 (hg19) VCF-style: chr11-533457-CG-C.
Other names: c.445del, p.Arg149fs (NM_001130442.3, NM_176795.5); c.126del, p.Gly43fs (NM_001318054.2); short protein forms R149fs, G43fs.
Identifiers: ClinVar variation 1390411 (VCV001390411.6), dbSNP rs2133986181, ClinGen allele CA645569129.